The following is an entry in ClinVar:

NM_001080792.4(CCDC32):c.-13+210T>C

Gene: CCDC32 (coiled-coil domain containing 32; minus strand). Cytogenetic location: 15q15.1.
Variant type: single nucleotide variant.
Coding change: c.-13+210T>C on transcript NM_001080792.4 (MANE Select); 210 bases into the intron after 13 bases upstream of the start codon, T replaced by C.
Molecular consequence: intron variant. On other transcripts: 5 prime UTR variant (1), splice donor variant (1).
Genome position (GRCh38, 1-based): chr15:40,564,766, A>G on the plus strand (T>C on the coding strand, the complement: CCDC32 is on the minus strand). VCF-style: chr15-40564766-A-G. GRCh37 (hg19) VCF-style: chr15-40856965-A-G.
Other names: c.-13T>C (NM_001080791.4); c.-13+210T>C (NM_001382439.1, NM_001382441.1, NM_001382438.1 and 2 more transcripts); c.-8+210T>C (NM_001382440.1, NM_001382436.1); c.-13+25T>C (NM_001289132.2, NM_052849.5); c.-8+25T>C (NM_001382435.1); c.-13+2T>C (NM_001382434.1).
Identifiers: ClinVar variation 2645174 (VCV002645174.24), dbSNP rs199660091, ClinGen allele CA7481887.

ClinVar aggregate classification (germline): Likely benign (1 of 4 stars; one submission).

Allele frequency attached by ClinVar (database versions not stated): ESP Exome Variant Server 0.00033; ExAC 0.00191; 1000 Genomes Project 0.00260; 1000 Genomes Project 30x 0.00281.
gnomAD v4.1: 1,477 of 1,614,130 alleles (0.092%); highest among the groups gnomAD compares: Middle Eastern, 1.1%; 12 homozygotes.

Submission:

CeGaT Center for Human Genetics Tuebingen
Classification: Likely benign. Last evaluated: 2025-10-01. Review status: criteria provided, single submitter. Criteria: CeGaT Center For Human Genetics Tuebingen Variant Classification Criteria Version 2. Collection method: clinical testing. Allele origin: germline. Affected: yes. Observed: 6 variant alleles.
Comment: CCDC32: BS2